The following is an entry in ClinVar:

ClinVar aggregate classification (germline): Benign. Review status: criteria provided, multiple submitters, no conflicts (2 of 4 stars). 4 submissions from 4 submitters: Benign (4). Last evaluated 2026-01-26.

Allele frequency attached by ClinVar (database versions not stated): gnomAD 0.00001 and 0.00024; TOPMed 0.00008; gnomAD exomes 0.00064 and 0.00147; ExAC 0.00161; 1000 Genomes Project 30x 0.00234; 1000 Genomes Project 0.00240.
gnomAD v4.1: 993 of 1,614,244 alleles (0.062%); highest among the groups gnomAD compares: South Asian, 0.99%; 16 homozygotes.

Submissions (4):

Labcorp Genetics (formerly Invitae), Labcorp
Classification: Benign. Last evaluated: 2026-01-26. Review status: criteria provided, single submitter. Criteria: Invitae Variant Classification Sherloc (09022015). Collection method: clinical testing. Allele origin: germline.

CeGaT Center for Human Genetics Tuebingen
Classification: Benign. Last evaluated: 2023-07-01. Review status: criteria provided, single submitter. Criteria: CeGaT Center For Human Genetics Tuebingen Variant Classification Criteria Version 2. Collection method: clinical testing. Allele origin: germline. Affected: yes. Observed: 1 variant allele.
Comment: LOC128092249: BP4, BS1, BS2; PCNT: BP4, BS1, BS2

GeneDx
Classification: Benign. Last evaluated: 2020-07-02. Review status: criteria provided, single submitter. Criteria: GeneDx Variant Classification Process June 2021. Collection method: clinical testing. Allele origin: germline. Affected: yes.

Genetic Services Laboratory, University of Chicago
Classification: Benign. Last evaluated: 2016-08-01. Review status: criteria provided, single submitter. Criteria: ACMG Guidelines, 2015. Collection method: clinical testing. Allele origin: germline. Affected: no.

NM_006031.6(PCNT):c.142G>C (p.Ala48Pro)

Genes: PCNT (pericentrin; plus strand), LOC128092249 (uncharacterized LOC128092249; plus strand). Cytogenetic location: 21q22.3.
Variant type: single nucleotide variant.
Coding change: c.142G>C on transcript NM_006031.6 (MANE Select); coding-DNA position 142, G replaced by C.
Protein change: p.Ala48Pro; replaces alanine 48 with proline.
Molecular consequence: missense variant. On other transcripts: 5 prime UTR variant (1).
Genome position (GRCh38, 1-based): chr21:46,326,464, G>C. VCF-style: chr21-46326464-G-C. GRCh37 (hg19) VCF-style: chr21-47746378-G-C.
Other names: c.-213G>C (NM_001315529.2); short protein forms A48P.
Identifiers: ClinVar variation 211842 (VCV000211842.42), dbSNP rs373411902, ClinGen allele CA209138.
Genomic context (GRCh38, chr21:46,326,464, plus strand): 5'-AAAGGTGACAGTTCGCATTCGGAGAAAAAGACGGCGAAGAGGAAGGGCTCGGCTGTCGAT[G>C]CGTCTGTCCAGGAGGAGAGTCCGGTAACCAAGGAGGACAGCGCACTCTGTGGAGGAGGGG-3'
Protein context (NP_006022.3, residues 38-58): TAKRKGSAVD[Ala48Pro]SVQEESPVTK